The following is an entry in ClinVar:

NM_001330691.3(CEP78):c.2004G>A (p.Met668Ile)

Gene: CEP78 (centrosomal protein 78; plus strand). Cytogenetic location: 9q21.2.
Variant type: single nucleotide variant.
Coding change: c.2004G>A on transcript NM_001330691.3 (MANE Select); coding-DNA position 2004, G replaced by A.
Protein change: p.Met668Ile; replaces methionine 668 with isoleucine.
Molecular consequence: missense variant.
Genome position (GRCh38, 1-based): chr9:78,266,600, G>A. VCF-style: chr9-78266600-G-A. GRCh37 (hg19) VCF-style: chr9-80881516-G-A.
Other names: c.2007G>A, p.Met669Ile (NM_001098802.3, NM_001349839.2); c.1956G>A, p.Met652Ile (NM_001330693.3, NM_001330694.2); c.2004G>A, p.Met668Ile (NM_001349838.2); c.1959G>A, p.Met653Ile (NM_001349840.2, NM_032171.3); short protein forms M652I, M653I, M668I, M669I.
Identifiers: ClinVar variation 1348306 (VCV001348306.7), dbSNP rs1010879913, ClinGen allele CA194409163.
Genomic context (GRCh38, chr9:78,266,600, plus strand): 5'-CCTAGGAGTCCCAGCTACTGAGCAGCGGCAGGAGTCTTTTGAAGGATTCATTGCTAGAAT[G>A]TGTTCTCCTTCACCAGATGCGACTTCTGGAACTGGAAGTCAAAGAAAAGAAGAGGAGTTG-3'
Protein context (NP_001317620.1, residues 658-678): QESFEGFIAR[Met668Ile]CSPSPDATSG

ClinVar aggregate classification (germline): Uncertain significance (1 of 4 stars; one submission).

Allele frequency attached by ClinVar (database versions not stated): gnomAD exomes below 0.00001 and 0.00001; TOPMed below 0.00001; gnomAD 0.00001.

Submission:

Labcorp Genetics (formerly Invitae), Labcorp
Classification: Uncertain significance. Last evaluated: 2022-11-15. Review status: criteria provided, single submitter. Criteria: Invitae Variant Classification Sherloc (09022015). Collection method: clinical testing. Allele origin: germline.
Comment: ClinVar contains an entry for this variant (Variation ID: 1348306). Algorithms developed to predict the effect of missense changes on protein structure and function (SIFT, PolyPhen-2, Align-GVGD) all suggest that this variant is likely to be tolerated. In summary, the available evidence is currently insufficient to determine the role of this variant in disease. Therefore, it has been classified as a Variant of Uncertain Significance. This sequence change replaces methionine, which is neutral and non-polar, with isoleucine, which is neutral and non-polar, at codon 669 of the CEP78 protein (p.Met669Ile). This variant is present in population databases (no rsID available, gnomAD 0.002%). This variant has not been reported in the literature in individuals affected with CEP78-related conditions.